The following is an entry in ClinVar:

NM_001005388.3(NFASC):c.1346G>A (p.Arg449Gln)

Gene: NFASC (neurofascin; plus strand). Cytogenetic location: 1q32.1.
Variant type: single nucleotide variant.
Coding change: c.1346G>A on transcript NM_001005388.3 (MANE Select); coding-DNA position 1346, G replaced by A.
Protein change: p.Arg449Gln; replaces arginine 449 with glutamine.
Molecular consequence: missense variant. On other transcripts: non-coding transcript variant (1).
Genome position (GRCh38, 1-based): chr1:204,974,245, G>A. VCF-style: chr1-204974245-G-A. GRCh37 (hg19) VCF-style: chr1-204943373-G-A.
Other names: c.1328G>A, p.Arg443Gln (NM_001160333.2); c.1379G>A, p.Arg460Gln (NM_001365986.1, NM_001378330.1, NM_001160331.2 and 3 more transcripts); c.1346G>A, p.Arg449Gln (NM_001378329.1, NM_001005389.2); short protein forms R443Q, R449Q, R460Q.
Identifiers: ClinVar variation 1723761 (VCV001723761.3), dbSNP rs758966488, ClinGen allele CA1349902.
Genomic context (GRCh38, chr1:204,974,245, plus strand): 5'-CGCCTCGGATGCTGTCGCCCCGGAACCAGCTCATTCGAGTGATTCTTTACAACCGGACGC[G>A]GCTGGACTGCCCTTTCTTTGGGTCTCCCATCCCCACACTGCGATGGTAAGTTCCAGGAGA-3'
Protein context (NP_001005388.2, residues 439-459): LIRVILYNRT[Arg449Gln]LDCPFFGSPI

ClinVar aggregate classification (germline): Uncertain significance (1 of 4 stars; one submission).

Allele frequency attached by ClinVar (database versions not stated): gnomAD 0.00002; TOPMed 0.00002; ExAC 0.00003.
gnomAD v4.1: 35 of 1,614,010 alleles (0.0022%); highest among the groups gnomAD compares: Admixed American, 0.005%; no homozygotes.

Submission:

GeneDx
Classification: Uncertain significance. Last evaluated: 2026-01-28. Review status: criteria provided, single submitter. Criteria: GeneDx Variant Classification Process June 2021. Collection method: clinical testing. Allele origin: germline. Affected: yes.
Comment: In silico analysis supports that this missense variant does not alter protein structure/function; Has not been previously published as pathogenic or benign to our knowledge